The following is an entry in ClinVar:

NM_001177693.2(ARHGEF28):c.2740C>A (p.Arg914=)

Gene: ARHGEF28 (Rho guanine nucleotide exchange factor 28; plus strand). Cytogenetic location: 5q13.2.
Variant type: single nucleotide variant.
Coding change: c.2740C>A on transcript NM_001177693.2 (MANE Select); coding-DNA position 2740, C replaced by A.
Protein change: p.Arg914=; no amino-acid change (arginine 914 retained).
Molecular consequence: synonymous variant.
Genome position (GRCh38, 1-based): chr5:73,873,172, C>A. VCF-style: chr5-73873172-C-A. GRCh37 (hg19) VCF-style: chr5-73168997-C-A.
Other names: c.2740C>A, p.Arg914= (NM_001080479.3, NM_001388078.1); c.1801C>A, p.Arg601= (NM_001244364.2); c.2446C>A, p.Arg816= (NM_001388076.1).
Identifiers: ClinVar variation 3350305 (VCV003350305.1).
Genomic context (GRCh38, chr5:73,873,172, plus strand): 5'-TTCCCCTGTTTAGATGAGTTGCTTGAAATCCACAGGCATTTCTTCTACAGTATGAAGGAA[C>A]GAAGGCAGGAATCCTGTGCTGGCAGCGACAGGAATTTTGTGATCGACCGAATTGGAGATA-3'
Protein context (NP_001171164.1, residues 904-924): HRHFFYSMKE[Arg914=]RQESCAGSDR

ClinVar aggregate classification (germline): Likely benign (0 of 4 stars; one submission).

Conditions:
ARHGEF28-related disorder. Also called: ARHGEF28-related condition.

Submission:

PreventionGenetics, part of Exact Sciences
Classification: Likely benign for ARHGEF28-related condition. Last evaluated: 2024-03-14. Review status: no assertion criteria provided. Collection method: clinical testing. Allele origin: germline.
Comment: This variant is classified as likely benign based on ACMG/AMP sequence variant interpretation guidelines (Richards et al. 2015 PMID: 25741868, with internal and published modifications).